The following is an entry in ClinVar:

ClinVar aggregate classification (germline): Benign (3 of 4 stars; one submission).

Conditions:
Breast-ovarian cancer, familial, susceptibility to, 1 (BROVCA1). Also called: BRCA1 Hereditary Breast and Ovarian Cancer; OVARIAN CANCER, SUSCEPTIBILITY TO. Identifiers: Orphanet 145, MedGen C2676676, MONDO:0011450, OMIM 604370. Disease mechanism: loss of function.

Submission:

Evidence-based Network for the Interpretation of Germline Mutant Alleles (ENIGMA)
Classification: Benign for Breast-ovarian cancer, familial, susceptibility to, 1. Last evaluated: 2016-09-28. Review status: reviewed by expert panel. Criteria: ENIGMA BRCA1/2 Classification Criteria (2015). Collection method: curation. Allele origin: germline.
Comment: Class 1 not pathogenic based on frequency >1% in an outbred sampleset. Frequency 0.1471 (European), 0.2126 (African), 0.1484 (Admixed American/Latino), 0.1161 (East Asian), 0.1258 (South Asian), derived from 1000 genomes (2013-05-02).

NM_007294.4(BRCA1):c.4186-1457del

Gene: BRCA1 (BRCA1 DNA repair associated; minus strand). Cytogenetic location: 17q21.31.
Variant type: Deletion.
Coding change: c.4186-1457del on transcript NM_007294.4 (MANE Select); 1457 bases into the intron before coding-DNA position 4186, one base deleted (A; older notation c.4186-1457delA).
Molecular consequence: intron variant.
Genome position (GRCh38, 1-based): chr17:43,084,032, T deleted on the plus strand (A on the coding strand, the reverse complement: BRCA1 is on the minus strand); the first of 17 consecutive T bases (chr17:43,084,032-43,084,048); deleting any one gives the same sequence. VCF-style (leftmost placement, unchanged base first): chr17-43084031-AT-A. GRCh37 (hg19) VCF-style: chr17-41236048-AT-A.
Other names: c.874-1457del (NM_001407986.1, NM_001407972.1, NM_001408397.1 and 9 more transcripts); c.4183-1460del (NM_001407630.1, NM_001407632.1, NM_001407644.1 and 5 more transcripts); c.4183-1457del (NM_001407633.1, NM_001407615.1, NM_001407591.1 and 14 more transcripts); c.754-1460del (NM_001408441.1, NM_001408442.1, NM_001408444.1 and 1 more transcripts); c.754-1457del (NM_001408437.1, NM_001408429.1, NM_001408426.1 and 8 more transcripts); c.4063-1460del (NM_001407683.1, NM_001407674.1, NM_001407682.1 and 3 more transcripts); c.4063-1457del (NM_001407939.1, NM_001407677.1, NM_001407919.1 and 13 more transcripts); c.877-1460del (NM_001407979.1, NM_001407982.1, NM_001407980.1 and 6 more transcripts); and 64 more.
Identifiers: ClinVar variation 264801 (VCV000264801.2), dbSNP rs571319167, ClinGen allele CA10588219.